The following is an entry in ClinVar:

NM_000452.3(SLC10A2):c.230G>A (p.Gly77Glu)

Gene: SLC10A2 (solute carrier family 10 member 2; minus strand). Cytogenetic location: 13q33.1.
Variant type: single nucleotide variant.
Coding change: c.230G>A on transcript NM_000452.3 (MANE Select); coding-DNA position 230, G replaced by A.
Protein change: p.Gly77Glu; replaces glycine 77 with glutamic acid.
Molecular consequence: missense variant.
Genome position (GRCh38, 1-based): chr13:103,066,020, C>T on the plus strand (G>A on the coding strand, the complement: SLC10A2 is on the minus strand). VCF-style: chr13-103066020-C-T. GRCh37 (hg19) VCF-style: chr13-103718370-C-T.
Other names: c.230G>A (NM_000452.2); short protein forms G77E.
Identifiers: ClinVar variation 501421 (VCV000501421.14), dbSNP rs143297386, ClinGen allele CA7042306.
Genomic context (GRCh38, chr13:103,066,020, plus strand): 5'-GCCTGGAGCGGGAGGATGTCAAAGGCCACCGACAGGATGAATCCTGTGAGGGGCATGATT[C>T]CAAACTGACAGAGGAAGCCAACACAAATGCCCCACGGCCGCTTTATGTGCCCTAGAAATT-3'
Protein context (NP_000443.2, residues 67-87): GICVGFLCQF[Gly77Glu]IMPLTGFILS

ClinVar aggregate classification (germline): Uncertain significance. Review status: criteria provided, multiple submitters, no conflicts (2 of 4 stars). 5 submissions from 5 submitters: Uncertain significance (5). Last evaluated 2026-02-12.

Conditions:
SLC10A2-related disorder. Also called: SLC10A2-related condition.
Bile acid malabsorption, primary, 1 (PBAM1). Also called: Bile acid malabsorption, primary. Identifiers: MedGen C5561934, MONDO:0013214, OMIM 613291.

Allele frequency attached by ClinVar (database versions not stated): TOPMed 0.00013; ExAC 0.00016; gnomAD exomes 0.00016 and 0.00017; gnomAD 0.00017; ESP Exome Variant Server 0.00023.
gnomAD v4.1: 280 of 1,613,802 alleles (0.017%); highest among the groups gnomAD compares: Middle Eastern, 0.082%; 1 homozygote.

Submissions (5):

PreventionGenetics, part of Exact Sciences
Classification: Uncertain significance for SLC10A2-related condition. Last evaluated: 2026-02-12. Review status: criteria provided, single submitter. Criteria: ACMG Guidelines, 2015. Collection method: clinical testing. Allele origin: germline.
Comment: The SLC10A2 c.230G>A variant is predicted to result in the amino acid substitution p.Gly77Glu. To our knowledge, this variant has not been reported in the literature. This variant is reported in 0.033% of alleles in individuals of South Asian descent in gnomAD. At this time, the clinical significance of this variant is uncertain due to the absence of conclusive functional and genetic evidence.

Labcorp Genetics (formerly Invitae), Labcorp
Classification: Uncertain significance. Last evaluated: 2026-01-01. Review status: criteria provided, single submitter. Criteria: Invitae Variant Classification Sherloc (09022015). Collection method: clinical testing. Allele origin: germline.
Comment: This sequence change replaces glycine, which is neutral and non-polar, with glutamic acid, which is acidic and polar, at codon 77 of the SLC10A2 protein (p.Gly77Glu). This variant is present in population databases (rs143297386, gnomAD 0.03%). This variant has not been reported in the literature in individuals affected with SLC10A2-related conditions. ClinVar contains an entry for this variant (Variation ID: 501421). Invitae Evidence Modeling of protein sequence and biophysical properties (such as structural, functional, and spatial information, amino acid conservation, physicochemical variation, residue mobility, and thermodynamic stability) indicates that this missense variant is expected to disrupt SLC10A2 protein function with a positive predictive value of 80%. In summary, the available evidence is currently insufficient to determine the role of this variant in disease. Therefore, it has been classified as a Variant of Uncertain Significance.

Blueprint Genetics
Classification: Uncertain significance. Last evaluated: 2024-11-25. Review status: criteria provided, single submitter. Criteria: ACMG Guidelines, 2015. Collection method: clinical testing. Allele origin: germline.

Fulgent Genetics
Classification: Uncertain significance for Bile acid malabsorption, primary, 1. Last evaluated: 2022-02-22. Review status: criteria provided, single submitter. Criteria: ACMG Guidelines, 2015. Collection method: clinical testing. Allele origin: unknown.

Eurofins Ntd Llc (ga)
Classification: Uncertain significance. Last evaluated: 2017-11-13. Review status: criteria provided, single submitter. Criteria: EGL Classification Definitions 2015. Collection method: clinical testing. Allele origin: germline. Observed: 2 variant alleles, 2 heterozygotes.